The following is an entry in ClinVar:

NM_172107.4(KCNQ2):c.1910T>C (p.Leu637Pro)

Gene: KCNQ2 (potassium voltage-gated channel subfamily Q member 2; minus strand). Cytogenetic location: 20q13.33.
Variant type: single nucleotide variant.
Coding change: c.1910T>C on transcript NM_172107.4 (MANE Select); coding-DNA position 1910, T replaced by C.
Protein change: p.Leu637Pro; replaces leucine 637 with proline.
Molecular consequence: missense variant.
Genome position (GRCh38, 1-based): chr20:63,407,353, A>G on the plus strand (T>C on the coding strand, the complement: KCNQ2 is on the minus strand). VCF-style: chr20-63407353-A-G. GRCh37 (hg19) VCF-style: chr20-62038706-A-G.
Other names: c.1964T>C, p.Leu655Pro (NM_001382235.1); c.1826T>C, p.Leu609Pro (NM_004518.6); c.1856T>C, p.Leu619Pro (NM_172106.3); c.1817T>C, p.Leu606Pro (NM_172108.5); short protein forms L606P, L609P, L655P, L619P, L637P.
Identifiers: ClinVar variation 3661767 (VCV003661767.2).
Genomic context (GRCh38, chr20:63,407,353, plus strand): 5'-GCCTCGGTCTCTGTCGGGGGGATGCCCATCCGCTGCATGTAGATATTCACCAGGAAGTCC[A>G]GCTTCTTCTCCATGGACAAGACCTGCAAAAGGGGCTGCTGGGCTGGGGTGCGAGGGCCCG-3'
Protein context (NP_742105.1, residues 627-647): EKQVLSMEKK[Leu637Pro]DFLVNIYMQR

ClinVar aggregate classification (germline): Uncertain significance (1 of 4 stars; one submission).

Conditions:
Early-infantile DEE. Also called: Ohtahara syndrome; Early infantile epileptic encephalopathy; Early infantile epileptic encephalopathy with suppression bursts. Identifiers: Orphanet 1934, MedGen C0393706, MONDO:0800491.

Submission:

Labcorp Genetics (formerly Invitae), Labcorp
Classification: Uncertain significance for Early-infantile DEE. Last evaluated: 2024-08-08. Review status: criteria provided, single submitter. Criteria: Invitae Variant Classification Sherloc (09022015). Collection method: clinical testing. Allele origin: germline.
Comment: This sequence change replaces leucine, which is neutral and non-polar, with proline, which is neutral and non-polar, at codon 637 of the KCNQ2 protein (p.Leu637Pro). This variant is not present in population databases (gnomAD no frequency). This variant has not been reported in the literature in individuals affected with KCNQ2-related conditions. An algorithm developed to predict the effect of missense changes on protein structure and function (PolyPhen-2) suggests that this variant is likely to be disruptive. Experimental studies are conflicting or provide insufficient evidence to determine the effect of this variant on KCNQ2 function (PMID: 16597729). In summary, the available evidence is currently insufficient to determine the role of this variant in disease. Therefore, it has been classified as a Variant of Uncertain Significance.

Literature cited by the submitters: PubMed 16597729.